The following is an entry in ClinVar:

NM_000293.3(PHKB):c.2398A>G (p.Ile800Val)

Gene: PHKB (phosphorylase kinase regulatory subunit beta; plus strand). Cytogenetic location: 16q12.1.
Variant type: single nucleotide variant.
Coding change: c.2398A>G on transcript NM_000293.3 (MANE Select); coding-DNA position 2398, A replaced by G.
Protein change: p.Ile800Val; replaces isoleucine 800 with valine.
Molecular consequence: missense variant. On other transcripts: intron variant (2).
Genome position (GRCh38, 1-based): chr16:47,664,946, A>G. VCF-style: chr16-47664946-A-G. GRCh37 (hg19) VCF-style: chr16-47698857-A-G.
Other names: c.2398A>G (NM_000293.2); c.2337-996A>G (NM_001363837.1); c.2316-996A>G (NM_001031835.3); short protein forms I800V.
Identifiers: ClinVar variation 2199858 (VCV002199858.2), dbSNP rs1349561017, ClinGen allele CA395789743.

ClinVar aggregate classification (germline): Uncertain significance. Review status: criteria provided, multiple submitters, no conflicts (2 of 4 stars). 2 submissions from 2 submitters: Uncertain significance (2). Last evaluated 2023-03-23.

Conditions:
Glycogen storage disease IXb (GSD9B). Also called: PHOSPHORYLASE KINASE DEFICIENCY OF LIVER AND MUSCLE, AUTOSOMAL RECESSIVE; GLYCOGENOSIS OF LIVER AND MUSCLE, AUTOSOMAL RECESSIVE; GSD IXb. Identifiers: Orphanet 79240, MedGen C0543514, MONDO:0009868, OMIM 261750.

Allele frequency attached by ClinVar (database versions not stated): gnomAD exomes below 0.00001; TOPMed 0.00001.
gnomAD v4.1: 5 of 1,613,386 alleles (0.00031%); highest among the groups gnomAD compares: Middle Eastern, 0.017%; no homozygotes.

Submissions (2):

Women's Health and Genetics/Laboratory Corporation of America, LabCorp
Classification: Uncertain significance. Last evaluated: 2023-03-23. Review status: criteria provided, single submitter. Criteria: LabCorp Variant Classification Summary - May 2015. Collection method: clinical testing. Allele origin: germline.
Comment: Variant summary: PHKB c.2398A>G (p.Ile800Val) results in a conservative amino acid change located in the GH15-like domain of the encoded protein sequence. Three of five in-silico tools predict a damaging effect of the variant on protein function. The variant allele was found at a frequency of 8e-06 in 251174 control chromosomes. The available data on variant occurrences in the general population are insufficient to allow any conclusion about variant significance. To our knowledge, no occurrence of c.2398A>G in individuals affected with Glycogen Phosphorylase Kinase Deficiency and no experimental evidence demonstrating its impact on protein function have been reported. One clinical diagnostic laboratory has submitted clinical-significance assessments for this variant to ClinVar after 2014 without evidence for independent evaluation. One laboratory classified the variant as uncertain significance. Based on the evidence outlined above, the variant was classified as uncertain significance.

Labcorp Genetics (formerly Invitae), Labcorp
Classification: Uncertain significance for Glycogen storage disease IXb. Last evaluated: 2022-07-24. Review status: criteria provided, single submitter. Criteria: Invitae Variant Classification Sherloc (09022015). Collection method: clinical testing. Allele origin: germline.
Comment: This sequence change replaces isoleucine, which is neutral and non-polar, with valine, which is neutral and non-polar, at codon 800 of the PHKB protein (p.Ile800Val). This variant is present in population databases (no rsID available, gnomAD 0.006%). This variant has not been reported in the literature in individuals affected with PHKB-related conditions. Algorithms developed to predict the effect of missense changes on protein structure and function output the following: SIFT: "Deleterious"; PolyPhen-2: "Possibly Damaging"; Align-GVGD: "Class C25". The valine amino acid residue is found in multiple mammalian species, which suggests that this missense change does not adversely affect protein function. In summary, the available evidence is currently insufficient to determine the role of this variant in disease. Therefore, it has been classified as a Variant of Uncertain Significance.